The following is an entry in ClinVar:

ClinVar aggregate classification (germline): Uncertain significance. Review status: criteria provided, single submitter (1 of 4 stars). 2 submissions from 2 submitters: Uncertain significance (1). 1 of the submissions does not count toward it. Last evaluated 2024-05-12.

Conditions:
Generalized epilepsy with febrile seizures plus, type 7 (GEFSP7). Also called: GEFS+, TYPE 7. Identifiers: Orphanet 36387, MedGen C2751778, MONDO:0013470, OMIM 613863.
Neuropathy, hereditary sensory and autonomic, type 2A (HSAN2A). Also called: WNK1-Related HSAN2 (HSAN2A); ACROOSTEOLYSIS, GIACCAI TYPE; ACROOSTEOLYSIS, NEUROGENIC; HSAN IIA; MORVAN DISEASE; NEUROPATHY, CONGENITAL SENSORY. Identifiers: Orphanet 970, MedGen C2752089, MONDO:0024309, OMIM 201300.

Allele frequency attached by ClinVar (database versions not stated): gnomAD exomes below 0.00001; TOPMed below 0.00001; gnomAD 0.00002.
gnomAD v4.1: 4 of 1,583,894 alleles (0.00025%); highest among the groups gnomAD compares: Admixed American, 0.0036%; no homozygotes.

Submissions (2):

Labcorp Genetics (formerly Invitae), Labcorp
Classification: Uncertain significance for Neuropathy, hereditary sensory and autonomic, type 2A; Generalized epilepsy with febrile seizures plus, type 7. Last evaluated: 2024-05-12. Review status: criteria provided, single submitter. Criteria: Invitae Variant Classification Sherloc (09022015). Collection method: clinical testing. Allele origin: germline.
Comment: This sequence change replaces phenylalanine, which is neutral and non-polar, with leucine, which is neutral and non-polar, at codon 142 of the SCN9A protein (p.Phe142Leu). This variant is not present in population databases (gnomAD no frequency). This variant has not been reported in the literature in individuals affected with SCN9A-related conditions. ClinVar contains an entry for this variant (Variation ID: 1957168). Advanced modeling of protein sequence and biophysical properties (such as structural, functional, and spatial information, amino acid conservation, physicochemical variation, residue mobility, and thermodynamic stability) performed at Invitae indicates that this missense variant is not expected to disrupt SCN9A protein function with a negative predictive value of 95%. In summary, the available evidence is currently insufficient to determine the role of this variant in disease. Therefore, it has been classified as a Variant of Uncertain Significance.

Genetics and Genomic Medicine Centre, NeuroGen Healthcare, NeuroGen Healthcare
Classification: Uncertain significance. Last evaluated: 2021-02-28. Review status: no assertion criteria provided. Collection method: clinical testing. Allele origin: unknown. Affected: yes. Not counted in ClinVar's aggregate classification.

NM_001365536.1(SCN9A):c.424T>C (p.Phe142Leu)

Gene: SCN9A (sodium voltage-gated channel alpha subunit 9; minus strand). Cytogenetic location: 2q24.3.
Variant type: single nucleotide variant.
Coding change: c.424T>C on transcript NM_001365536.1 (MANE Select); coding-DNA position 424, T replaced by C.
Protein change: p.Phe142Leu; replaces phenylalanine 142 with leucine.
Molecular consequence: missense variant.
Genome position (GRCh38, 1-based): chr2:166,306,553, A>G on the plus strand (T>C on the coding strand, the complement: SCN9A is on the minus strand). VCF-style: chr2-166306553-A-G. GRCh37 (hg19) VCF-style: chr2-167163063-A-G.
Other names: c.424T>C, p.Phe142Leu (NM_002977.4); short protein forms F142L.
Identifiers: ClinVar variation 1957168 (VCV001957168.7), dbSNP rs1698764625, ClinGen allele CA349095393.
Genomic context (GRCh38, chr2:166,306,553, plus strand): 5'-TACTTATACCCACTTACTCGACATTTTTGGTCCAGTCCGGTGGGTTATTCATGGTCATAA[A>G]TATGCAGTTTGTCAGAATAGTGCACATGATGAGCATGCTGAATAAGGTAGCTTAGAATCA-3'
Protein context (NP_001352465.1, residues 132-152): IMCTILTNCI[Phe142Leu]MTMNNPPDWT